The following is an entry in ClinVar:

ClinVar aggregate classification (germline): Uncertain significance. Review status: criteria provided, multiple submitters, no conflicts (2 of 4 stars). 2 submissions from 2 submitters: Uncertain significance (2). Last evaluated 2024-08-20.

Conditions:
Peutz-Jeghers syndrome (PJS). Also called: POLYPOSIS, HAMARTOMATOUS INTESTINAL; POLYPS-AND-SPOTS SYNDROME; Peutz-Jeghers polyposis; Periorificial lentiginosis syndrome. Identifiers: Orphanet 2869, MedGen C0031269, MeSH D010580, MONDO:0008280, OMIM 175200.
Hereditary cancer-predisposing syndrome. Also called: Tumor predisposition; Neoplastic Syndromes, Hereditary; Hereditary Cancer Syndrome; Hereditary neoplastic syndrome. Identifiers: Orphanet 140162, MedGen C0027672, MeSH D009386, MONDO:0015356.

Submissions (2):

Ambry Genetics
Classification: Uncertain significance for Hereditary cancer-predisposing syndrome. Last evaluated: 2024-08-20. Review status: criteria provided, single submitter. Criteria: Ambry Variant Classification Scheme 2023. Collection method: clinical testing. Allele origin: germline.
Comment: The p.I46L variant (also known as c.136A>C), located in coding exon 1 of the STK11 gene, results from an A to C substitution at nucleotide position 136. The isoleucine at codon 46 is replaced by leucine, an amino acid with highly similar properties. This amino acid position is conserved. In addition, the in silico prediction for this alteration is inconclusive. Since supporting evidence is limited at this time, the clinical significance of this alteration remains unclear.

All of Us Research Program, National Institutes of Health
Classification: Uncertain significance for Peutz-Jeghers syndrome. Last evaluated: 2024-03-05. Review status: criteria provided, single submitter. Criteria: ACMG Guidelines, 2015. Collection method: clinical testing. Allele origin: germline. Inheritance: Autosomal dominant inheritance. Observed: 2 variant alleles, 2 heterozygotes.
Comment: This missense variant replaces isoleucine with leucine at codon 46 of the STK11 protein. Computational prediction suggests that this variant may not impact protein structure and function (internally defined REVEL score threshold <= 0.5, PMID: 27666373). To our knowledge, functional studies have not been performed for this variant. This variant has not been reported in individuals affected with hereditary cancer in the literature. This variant has not been identified in the general population by the Genome Aggregation Database (gnomAD). The available evidence is insufficient to determine the role of this variant in disease conclusively. Therefore, this variant is classified as a Variant of Uncertain Significance.

This study involves interpretation of variants in research participants for the purpose of population health screening. Participant phenotype was not available at the time of variant classification. Additional details can be found in publication PMID: 35346344, PMCID: PMC8962531

NM_000455.5(STK11):c.136A>C (p.Ile46Leu)

Gene: STK11 (serine/threonine kinase 11; plus strand). Cytogenetic location: 19p13.3.
Variant type: single nucleotide variant.
Coding change: c.136A>C on transcript NM_000455.5 (MANE Select); coding-DNA position 136, A replaced by C.
Protein change: p.Ile46Leu; replaces isoleucine 46 with leucine.
Molecular consequence: missense variant.
Genome position (GRCh38, 1-based): chr19:1,207,049, A>C. VCF-style: chr19-1207049-A-C. GRCh37 (hg19) VCF-style: chr19-1207048-A-C.
Other names: c.136A>C, p.Ile46Leu (NM_001407255.1); short protein forms I46L.
Identifiers: ClinVar variation 1771002 (VCV001771002.5), dbSNP rs2145405080, ClinGen allele CA402944020.
Genomic context (GRCh38, chr19:1,207,049, plus strand): 5'-ATCCACCGCATCGACTCCACCGAGGTCATCTACCAGCCGCGCCGCAAGCGGGCCAAGCTC[A>C]TCGGCAAGTACCTGATGGGGGACCTGCTGGGGGAAGGCTCTTACGGCAAGGTGAAGGAGG-3'
Protein context (NP_000446.1, residues 36-56): YQPRRKRAKL[Ile46Leu]GKYLMGDLLG